The following is an entry in ClinVar:

ClinVar aggregate classification (germline): Uncertain significance (1 of 4 stars; one submission).

Conditions:
Jeune thoracic dystrophy. Also called: Jeune syndrome; Infantile thoracic dystrophy; Thoracic pelvic phalangeal dystrophy; Jeune's syndrome; Chondroectodermal dysplasia-like syndrome; Short-rib thoracic dysplasia. Identifiers: Orphanet 474, MedGen C0265275, MONDO:0018770.
Asphyxiating thoracic dystrophy 2 (SRTD2). Also called: SHORT-RIB THORACIC DYSPLASIA 2 WITH POLYDACTYLY; SHORT-RIB THORACIC DYSPLASIA 2 WITHOUT POLYDACTYLY; SHORT-RIB THORACIC DYSPLASIA 2 WITH OR WITHOUT POLYDACTYLY. Identifiers: Orphanet 474, MedGen C1970005, MONDO:0012644, OMIM 611263.

Allele frequency attached by ClinVar (database versions not stated): gnomAD exomes below 0.00001 and 0.00001; ExAC 0.00001.
gnomAD v4.1: 3 of 1,606,648 alleles (0.00019%); highest among the groups gnomAD compares: Non-Finnish European, 0.00017%; no homozygotes.

Submission:

Labcorp Genetics (formerly Invitae), Labcorp
Classification: Uncertain significance for Jeune thoracic dystrophy. Last evaluated: 2022-10-17. Review status: criteria provided, single submitter. Criteria: Invitae Variant Classification Sherloc (09022015). Collection method: clinical testing. Allele origin: germline.
Comment: This sequence change replaces arginine, which is basic and polar, with glycine, which is neutral and non-polar, at codon 336 of the IFT80 protein (p.Arg336Gly). This variant is present in population databases (rs775835775, gnomAD 0.002%). This variant has not been reported in the literature in individuals affected with IFT80-related conditions. ClinVar contains an entry for this variant (Variation ID: 1362486). Algorithms developed to predict the effect of missense changes on protein structure and function (SIFT, PolyPhen-2, Align-GVGD) all suggest that this variant is likely to be disruptive. In summary, the available evidence is currently insufficient to determine the role of this variant in disease. Therefore, it has been classified as a Variant of Uncertain Significance.

NM_020800.3(IFT80):c.1006A>G (p.Arg336Gly)

Genes: IFT80 (intraflagellar transport 80; minus strand), TRIM59-IFT80 (TRIM59-IFT80 readthrough (NMD candidate); minus strand). Cytogenetic location: 3q25.33.
Variant type: single nucleotide variant.
Coding change: c.1006A>G on transcript NM_020800.3 (MANE Select); coding-DNA position 1006, A replaced by G.
Protein change: p.Arg336Gly; replaces arginine 336 with glycine.
Molecular consequence: missense variant. On other transcripts: non-coding transcript variant (3).
Genome position (GRCh38, 1-based): chr3:160,307,733, T>C on the plus strand (A>G on the coding strand, the complement: IFT80 is on the minus strand). VCF-style: chr3-160307733-T-C. GRCh37 (hg19) VCF-style: chr3-160025521-T-C.
Other names: c.1006A>G (NM_020800.2); c.595A>G, p.Arg199Gly (NM_001190241.2, NM_001190242.2); short protein forms R199G, R336G.
Identifiers: ClinVar variation 1362486 (VCV001362486.4), dbSNP rs775835775, ClinGen allele CA2685283.
Genomic context (GRCh38, chr3:160,307,733, plus strand): 5'-AACATTGAAGAGACGTTGAAACAACTAAGTGTGCATAGTTCAAAGATGCTTTAATGACTC[T>C]ATCACGGAATTCCAGTAAATCCACTGCATCATTAAGAACATTACGAACCTAAACAAGGAA-3'
Protein context (NP_065851.1, residues 326-346): DAVDLLEFRD[Arg336Gly]VIKASLNYAH